The following is an entry in ClinVar:

NM_001127208.3(TET2):c.5467_5470dup (p.Gly1824fs)

Genes: TET2 (tet methylcytosine dioxygenase 2; plus strand), TET2-AS1 (TET2 antisense RNA 1; minus strand). Cytogenetic location: 4q24.
Variant type: Duplication.
Coding change: c.5467_5470dup on transcript NM_001127208.3 (MANE Select); coding-DNA positions 5467 to 5470, 4 bases duplicated (AATG; older notation c.5467_5470dupAATG).
Protein change: p.Gly1824fs; shifts the reading frame from glycine 1824.
Molecular consequence: frameshift variant.
Genome position (GRCh38, 1-based): chr4:105,275,977-105,275,980, AATG duplicated. VCF-style (leftmost placement, unchanged base first): chr4-105275976-T-TAATG. GRCh37 (hg19) VCF-style: chr4-106197133-T-TAATG.
Other names: short protein forms G1824fs.
Identifiers: ClinVar variation 3663203 (VCV003663203.2).

ClinVar aggregate classification (germline): Uncertain significance (1 of 4 stars; one submission).

Submission:

Labcorp Genetics (formerly Invitae), Labcorp
Classification: Uncertain significance. Last evaluated: 2024-08-21. Review status: criteria provided, single submitter. Criteria: Invitae Variant Classification Sherloc (09022015). Collection method: clinical testing. Allele origin: germline.
Comment: This sequence change creates a premature translational stop signal (p.Gly1824Glufs*23) in the TET2 gene. While this is not anticipated to result in nonsense mediated decay, it is expected to disrupt the last 179 amino acid(s) of the TET2 protein. This variant is not present in population databases (gnomAD no frequency). This variant has not been reported in the literature in individuals affected with TET2-related conditions. Experimental studies and prediction algorithms are not available or were not evaluated, and the functional significance of this variant is currently unknown. In summary, the available evidence is currently insufficient to determine the role of this variant in disease. Therefore, it has been classified as a Variant of Uncertain Significance.